The following is an entry in ClinVar:

NM_017635.5(KMT5B):c.601A>G (p.Asn201Asp)

Gene: KMT5B (lysine methyltransferase 5B; minus strand). Cytogenetic location: 11q13.2.
Variant type: single nucleotide variant.
Coding change: c.601A>G on transcript NM_017635.5 (MANE Select); coding-DNA position 601, A replaced by G.
Protein change: p.Asn201Asp; replaces asparagine 201 with aspartic acid.
Molecular consequence: missense variant. On other transcripts: 5 prime UTR variant (1), non-coding transcript variant (3).
Genome position (GRCh38, 1-based): chr11:68,173,856, T>C on the plus strand (A>G on the coding strand, the complement: KMT5B is on the minus strand). VCF-style: chr11-68173856-T-C. GRCh37 (hg19) VCF-style: chr11-67941323-T-C.
Other names: c.85A>G, p.Asn29Asp (NM_001300907.1, NM_001369424.1, NM_001369428.1 and 5 more transcripts); c.-67A>G (NM_001300908.2); c.532A>G, p.Asn178Asp (NM_001300909.2); c.601A>G, p.Asn201Asp (NM_001363566.2, NM_001369426.1, NM_001369427.1 and 1 more transcripts); c.388A>G, p.Asn130Asp (NM_001369425.1); short protein forms N178D, N201D, N130D, N29D.
Identifiers: ClinVar variation 1429043 (VCV001429043.6), dbSNP rs2153054655, ClinGen allele CA381605633.

ClinVar aggregate classification (germline): Uncertain significance (1 of 4 stars; one submission).

gnomAD v4.1: 1 of 1,613,284 alleles (0.000062%); highest among the groups gnomAD compares: Non-Finnish European, 0.000085%; no homozygotes.

Submission:

Labcorp Genetics (formerly Invitae), Labcorp
Classification: Uncertain significance. Last evaluated: 2023-11-21. Review status: criteria provided, single submitter. Criteria: Invitae Variant Classification Sherloc (09022015). Collection method: clinical testing. Allele origin: germline.
Comment: This sequence change replaces asparagine, which is neutral and polar, with aspartic acid, which is acidic and polar, at codon 201 of the KMT5B protein (p.Asn201Asp). This variant is not present in population databases (gnomAD no frequency). This variant has not been reported in the literature in individuals affected with KMT5B-related conditions. ClinVar contains an entry for this variant (Variation ID: 1429043). An algorithm developed to predict the effect of missense changes on protein structure and function (PolyPhen-2) suggests that this variant is likely to be tolerated. In summary, the available evidence is currently insufficient to determine the role of this variant in disease. Therefore, it has been classified as a Variant of Uncertain Significance.